The following is an entry in ClinVar:

ClinVar aggregate classification (germline): Uncertain significance. Review status: criteria provided, multiple submitters, no conflicts (2 of 4 stars). 4 submissions from 3 submitters: Uncertain significance (4). Last evaluated 2025-11-23.

Conditions:
Familial cutaneous telangiectasia and oropharyngeal predisposition cancer syndrome. Identifiers: Orphanet 313846, MedGen C3281203, MONDO:0013806, OMIM 614564.
Seckel syndrome 1 (SCKL1). Also called: MICROCEPHALIC PRIMORDIAL DWARFISM I. Identifiers: Orphanet 808, MedGen C4551474, MONDO:0008869, OMIM 210600.
Inborn genetic diseases. Identifiers: MedGen C0950123, MeSH D030342.

Allele frequency attached by ClinVar (database versions not stated): gnomAD exomes below 0.00001 and 0.00001; TOPMed below 0.00001; ExAC 0.00001.
gnomAD v4.1: 13 of 1,607,268 alleles (0.00081%); highest among the groups gnomAD compares: Non-Finnish European, 0.0011%; no homozygotes.

Submissions (4):

Labcorp Genetics (formerly Invitae), Labcorp
Classification: Uncertain significance. Last evaluated: 2025-11-23. Review status: criteria provided, single submitter. Criteria: Invitae Variant Classification Sherloc (09022015). Collection method: clinical testing. Allele origin: germline.
Comment: This sequence change replaces serine, which is neutral and polar, with proline, which is neutral and non-polar, at codon 1619 of the ATR protein (p.Ser1619Pro). This variant is present in population databases (rs760429299, gnomAD 0.0009%). This variant has not been reported in the literature in individuals affected with ATR-related conditions. ClinVar contains an entry for this variant (Variation ID: 1449067). An algorithm developed to predict the effect of missense changes on protein structure and function outputs the following: PolyPhen-2: "Benign". The proline amino acid residue is found in multiple mammalian species, which suggests that this missense change does not adversely affect protein function. In summary, the available evidence is currently insufficient to determine the role of this variant in disease. Therefore, it has been classified as a Variant of Uncertain Significance.

Ambry Genetics
Classification: Uncertain significance for Inborn genetic diseases. Last evaluated: 2024-01-25. Review status: criteria provided, single submitter. Criteria: Ambry Variant Classification Scheme 2023. Collection method: clinical testing. Allele origin: germline.
Comment: The p.S1619P variant (also known as c.4855T>C), located in coding exon 28 of the ATR gene, results from a T to C substitution at nucleotide position 4855. The serine at codon 1619 is replaced by proline, an amino acid with similar properties. This amino acid position is conserved. In addition, this alteration is predicted to be tolerated by in silico analysis. Since supporting evidence is limited at this time, the clinical significance of this alteration remains unclear.

Genome-Nilou Lab
Classification: Uncertain significance for Seckel syndrome 1. Last evaluated: 2023-02-08. Review status: criteria provided, single submitter. Criteria: ACMG Guidelines, 2015. Collection method: clinical testing. Allele origin: germline.

Genome-Nilou Lab
Classification: Uncertain significance for Familial cutaneous telangiectasia and oropharyngeal predisposition cancer syndrome. Last evaluated: 2023-02-08. Review status: criteria provided, single submitter. Criteria: ACMG Guidelines, 2015. Collection method: clinical testing. Allele origin: germline.

NM_001184.4(ATR):c.4855T>C (p.Ser1619Pro)

Gene: ATR (ATR checkpoint kinase; minus strand). Cytogenetic location: 3q23.
Variant type: single nucleotide variant.
Coding change: c.4855T>C on transcript NM_001184.4 (MANE Select); coding-DNA position 4855, T replaced by C.
Protein change: p.Ser1619Pro; replaces serine 1619 with proline.
Molecular consequence: missense variant.
Genome position (GRCh38, 1-based): chr3:142,508,107, A>G on the plus strand (T>C on the coding strand, the complement: ATR is on the minus strand). VCF-style: chr3-142508107-A-G. GRCh37 (hg19) VCF-style: chr3-142226949-A-G.
Other names: c.4663T>C, p.Ser1555Pro (NM_001354579.2); short protein forms S1619P, S1555P.
Identifiers: ClinVar variation 1449067 (VCV001449067.10), dbSNP rs760429299, ClinGen allele CA2649725.